The following is an entry in ClinVar:

ClinVar aggregate classification (germline): Uncertain significance. Review status: criteria provided, multiple submitters, no conflicts (2 of 4 stars). 6 submissions from 6 submitters: Uncertain significance (5). 1 of the submissions does not count toward it. Last evaluated 2025-01-13.

Conditions:
Retinal dystrophy. Also called: Inherited retinal dystrophy. Identifiers: Orphanet 71862, MedGen C0854723, MeSH D058499, MONDO:0019118, HP:0000556.
Autosomal recessive retinitis pigmentosa. Identifiers: MedGen C0339526.
Retinitis pigmentosa 25 (RP25). Identifiers: Orphanet 791, MedGen C1864446, MONDO:0011272, OMIM 602772.

Allele frequency attached by ClinVar (database versions not stated): gnomAD exomes 0.00017 and 0.00045; ExAC 0.00026; gnomAD 0.00028 and 0.00029; TOPMed 0.00031; 1000 Genomes Project 0.00040; 1000 Genomes Project 30x 0.00047.
gnomAD v4.1: 664 of 1,550,996 alleles (0.043%); highest among the groups gnomAD compares: Non-Finnish European, 0.055%; no homozygotes.

Submissions (6):

Labcorp Genetics (formerly Invitae), Labcorp
Classification: Uncertain significance. Last evaluated: 2025-01-13. Review status: criteria provided, single submitter. Criteria: Invitae Variant Classification Sherloc (09022015). Collection method: clinical testing. Allele origin: germline.
Comment: This sequence change replaces isoleucine, which is neutral and non-polar, with valine, which is neutral and non-polar, at codon 2694 of the EYS protein (p.Ile2694Val). This variant is present in population databases (rs35504565, gnomAD 0.04%). This missense change has been observed in individual(s) with inherited retinal disease (PMID: 32037395, 32483926). ClinVar contains an entry for this variant (Variation ID: 197456). Invitae Evidence Modeling of protein sequence and biophysical properties (such as structural, functional, and spatial information, amino acid conservation, physicochemical variation, residue mobility, and thermodynamic stability) indicates that this missense variant is not expected to disrupt EYS protein function with a negative predictive value of 80%. In summary, the available evidence is currently insufficient to determine the role of this variant in disease. Therefore, it has been classified as a Variant of Uncertain Significance.

CeGaT Center for Human Genetics Tuebingen
Classification: Uncertain significance. Last evaluated: 2024-10-01. Review status: criteria provided, single submitter. Criteria: CeGaT Center For Human Genetics Tuebingen Variant Classification Criteria Version 2. Collection method: clinical testing. Allele origin: germline. Affected: yes. Observed: 1 variant allele.
Comment: EYS: PM2, PM3:Supporting, BP4

Blueprint Genetics
Classification: Uncertain significance. Last evaluated: 2024-05-24. Review status: criteria provided, single submitter. Criteria: ACMG Guidelines, 2015. Collection method: clinical testing. Allele origin: germline.

Institute of Human Genetics, Univ. Regensburg, Univ. Regensburg
Classification: Uncertain significance for Retinal dystrophy. Last evaluated: 2023-01-01. Review status: criteria provided, single submitter. Criteria: ACMG Guidelines, 2015. Collection method: clinical testing. Allele origin: germline. Affected: yes.

Eurofins Ntd Llc (ga)
Classification: Uncertain significance. Last evaluated: 2014-06-12. Review status: criteria provided, single submitter. Criteria: EGL Classification Definitions 2015. Collection method: clinical testing. Allele origin: germline. Observed: 1 variant allele, 1 heterozygote.

Natera, Inc.
Classification: Uncertain significance for Autosomal recessive retinitis pigmentosa. Last evaluated: 2020-09-02. Review status: no assertion criteria provided. Collection method: clinical testing. Allele origin: germline. Not counted in ClinVar's aggregate classification.

Literature cited by the submitters: PubMed 32037395 (cited by Labcorp Genetics (formerly Invitae), Labcorp and Institute of Human Genetics, Univ. Regensburg, Univ. Regensburg); PubMed 32483926 (cited by Labcorp Genetics (formerly Invitae), Labcorp); PubMed 3248392 (cited by Institute of Human Genetics, Univ. Regensburg, Univ. Regensburg).

NM_001142800.2(EYS):c.8080A>G (p.Ile2694Val)

Gene: EYS (EGF-like photoreceptor maintenance factor; minus strand). Cytogenetic location: 6q12.
Variant type: single nucleotide variant.
Coding change: c.8080A>G on transcript NM_001142800.2 (MANE Select); coding-DNA position 8080, A replaced by G.
Protein change: p.Ile2694Val; replaces isoleucine 2694 with valine.
Molecular consequence: missense variant.
Genome position (GRCh38, 1-based): chr6:63,726,672, T>C on the plus strand (A>G on the coding strand, the complement: EYS is on the minus strand). VCF-style: chr6-63726672-T-C. GRCh37 (hg19) VCF-style: chr6-64436565-T-C.
Other names: c.8143A>G, p.Ile2715Val (NM_001292009.2); short protein forms I2694V, I2715V.
Identifiers: ClinVar variation 197456 (VCV000197456.30), dbSNP rs35504565, ClinGen allele CA245615.